The following is an entry in ClinVar:

ClinVar aggregate classification (germline): Uncertain significance. Review status: criteria provided, multiple submitters, no conflicts (2 of 4 stars). 2 submissions from 2 submitters: Uncertain significance (2). Last evaluated 2025-04-16.

Allele frequency attached by ClinVar (database versions not stated): TOPMed below 0.00001; gnomAD 0.00001.
gnomAD v4.1: 2 of 1,613,982 alleles (0.00012%); highest among the groups gnomAD compares: Non-Finnish European, 0.000085%; no homozygotes.

Submissions (2):

Labcorp Genetics (formerly Invitae), Labcorp
Classification: Uncertain significance. Last evaluated: 2025-04-16. Review status: criteria provided, single submitter. Criteria: Invitae Variant Classification Sherloc (09022015). Collection method: clinical testing. Allele origin: germline.
Comment: This sequence change replaces serine, which is neutral and polar, with phenylalanine, which is neutral and non-polar, at codon 471 of the RP1 protein (p.Ser471Phe). This variant is not present in population databases (gnomAD no frequency). This variant has not been reported in the literature in individuals affected with RP1-related conditions. ClinVar contains an entry for this variant (Variation ID: 867062). An algorithm developed to predict the effect of missense changes on protein structure and function (PolyPhen-2) suggests that this variant is likely to be disruptive. In summary, the available evidence is currently insufficient to determine the role of this variant in disease. Therefore, it has been classified as a Variant of Uncertain Significance.

Blueprint Genetics
Classification: Uncertain significance. Last evaluated: 2019-01-03. Review status: criteria provided, single submitter. Criteria: ACMG Guidelines, 2015. Collection method: clinical testing. Allele origin: germline.

NM_006269.2(RP1):c.1412C>T (p.Ser471Phe)

Gene: RP1 (RP1 axonemal microtubule associated; plus strand). Cytogenetic location: 8q12.1.
Variant type: single nucleotide variant.
Coding change: c.1412C>T on transcript NM_006269.2 (MANE Select); coding-DNA position 1412, C replaced by T.
Protein change: p.Ser471Phe; replaces serine 471 with phenylalanine.
Molecular consequence: missense variant. On other transcripts: intron variant (1).
Genome position (GRCh38, 1-based): chr8:54,625,294, C>T. VCF-style: chr8-54625294-C-T. GRCh37 (hg19) VCF-style: chr8-55537854-C-T.
Other names: c.787+3006C>T (NM_001375654.1); short protein forms S471F.
Identifiers: ClinVar variation 867062 (VCV000867062.12), dbSNP rs1000614416, ClinGen allele CA177236731.